The following is an entry in ClinVar:

NM_004369.4(COL6A3):c.3696G>T (p.Arg1232Ser)

Gene: COL6A3 (collagen type VI alpha 3 chain; minus strand). Cytogenetic location: 2q37.3.
Variant type: single nucleotide variant.
Coding change: c.3696G>T on transcript NM_004369.4 (MANE Select); coding-DNA position 3696, G replaced by T.
Protein change: p.Arg1232Ser; replaces arginine 1232 with serine.
Molecular consequence: missense variant.
Genome position (GRCh38, 1-based): chr2:237,372,321, C>A on the plus strand (G>T on the coding strand, the complement: COL6A3 is on the minus strand). VCF-style: chr2-237372321-C-A. GRCh37 (hg19) VCF-style: chr2-238280964-C-A.
Other names: c.2475G>T, p.Arg825Ser (NM_057164.5); c.3078G>T, p.Arg1026Ser (NM_057165.5, NM_057167.4); c.1875G>T, p.Arg625Ser (NM_057166.5); short protein forms R1232S, R625S, R825S, R1026S.
Identifiers: ClinVar variation 2132379 (VCV002132379.4), dbSNP rs2077714785, ClinGen allele CA351199803.

ClinVar aggregate classification (germline): Uncertain significance (1 of 4 stars; one submission).

Conditions:
Bethlem myopathy 1A. Also called: Bethlem Muscular Dystrophy; Bethlem myopathy 1; MYOPATHY, BENIGN CONGENITAL, WITH CONTRACTURES. Identifiers: Orphanet 610, MedGen CN029274, MONDO:0024530, OMIM 158810.

Submission:

Labcorp Genetics (formerly Invitae), Labcorp
Classification: Uncertain significance for Bethlem myopathy 1A. Last evaluated: 2022-05-16. Review status: criteria provided, single submitter. Criteria: Invitae Variant Classification Sherloc (09022015). Collection method: clinical testing. Allele origin: germline.
Comment: In summary, the available evidence is currently insufficient to determine the role of this variant in disease. Therefore, it has been classified as a Variant of Uncertain Significance. Algorithms developed to predict the effect of missense changes on protein structure and function are either unavailable or do not agree on the potential impact of this missense change (SIFT: "Tolerated"; PolyPhen-2: "Possibly Damaging"; Align-GVGD: "Class C0"). This variant has not been reported in the literature in individuals affected with COL6A3-related conditions. This variant is not present in population databases (gnomAD no frequency). This sequence change replaces arginine, which is basic and polar, with serine, which is neutral and polar, at codon 1232 of the COL6A3 protein (p.Arg1232Ser).